The following is an entry in ClinVar:

NM_000214.3(JAG1):c.2740G>T (p.Gly914Trp)

Gene: JAG1 (jagged canonical Notch ligand 1; minus strand). Cytogenetic location: 20p12.2.
Variant type: single nucleotide variant.
Coding change: c.2740G>T on transcript NM_000214.3 (MANE Select); coding-DNA position 2740, G replaced by T.
Protein change: p.Gly914Trp; replaces glycine 914 with tryptophan.
Molecular consequence: missense variant.
Genome position (GRCh38, 1-based): chr20:10,641,636, C>A on the plus strand (G>T on the coding strand, the complement: JAG1 is on the minus strand). VCF-style: chr20-10641636-C-A. GRCh37 (hg19) VCF-style: chr20-10622284-C-A.
Other names: short protein forms G914W.
Identifiers: ClinVar variation 4071870 (VCV004071870.1).

ClinVar aggregate classification (germline): Uncertain significance (1 of 4 stars; one submission).

Submission:

GeneDx
Classification: Uncertain significance. Last evaluated: 2025-01-27. Review status: criteria provided, single submitter. Criteria: GeneDx Variant Classification Process June 2021. Collection method: clinical testing. Allele origin: germline. Affected: yes.
Comment: Not observed at significant frequency in large population cohorts (gnomAD); In silico analysis supports that this missense variant has a deleterious effect on protein structure/function; Has not been previously published as pathogenic or benign to our knowledge